The following is an entry in ClinVar:

ClinVar aggregate classification (germline): Uncertain significance. Review status: criteria provided, single submitter (1 of 4 stars). 2 submissions from 2 submitters: Uncertain significance (1). 1 of the submissions does not count toward it. Last evaluated 2023-10-14.

Conditions:
NEFH-related disorder. Also called: NEFH-related condition.

Submissions (2):

Labcorp Genetics (formerly Invitae), Labcorp
Classification: Uncertain significance. Last evaluated: 2023-10-14. Review status: criteria provided, single submitter. Criteria: Invitae Variant Classification Sherloc (09022015). Collection method: clinical testing. Allele origin: germline.
Comment: This sequence change replaces threonine, which is neutral and polar, with isoleucine, which is neutral and non-polar, at codon 330 of the NEFH protein (p.Thr330Ile). This variant is not present in population databases (gnomAD no frequency). This variant has not been reported in the literature in individuals affected with NEFH-related conditions. Advanced modeling of protein sequence and biophysical properties (such as structural, functional, and spatial information, amino acid conservation, physicochemical variation, residue mobility, and thermodynamic stability) performed at Invitae indicates that this missense variant is not expected to disrupt NEFH protein function. In summary, the available evidence is currently insufficient to determine the role of this variant in disease. Therefore, it has been classified as a Variant of Uncertain Significance.

PreventionGenetics, part of Exact Sciences
Classification: Uncertain significance for NEFH-related condition. Last evaluated: 2024-04-23. Review status: no assertion criteria provided. Collection method: clinical testing. Allele origin: germline. Not counted in ClinVar's aggregate classification.
Comment: The NEFH c.989C>T variant is predicted to result in the amino acid substitution p.Thr330Ile. To our knowledge, this variant has not been reported in the literature or in a large population database, indicating this variant is rare. At this time, the clinical significance of this variant is uncertain due to the absence of conclusive functional and genetic evidence.

NM_021076.4(NEFH):c.989C>T (p.Thr330Ile)

Gene: NEFH (neurofilament heavy chain; plus strand). Cytogenetic location: 22q12.2.
Variant type: single nucleotide variant.
Coding change: c.989C>T on transcript NM_021076.4 (MANE Select); coding-DNA position 989, C replaced by T.
Protein change: p.Thr330Ile; replaces threonine 330 with isoleucine.
Molecular consequence: missense variant.
Genome position (GRCh38, 1-based): chr22:29,483,480, C>T. VCF-style: chr22-29483480-C-T. GRCh37 (hg19) VCF-style: chr22-29879469-C-T.
Other names: c.989C>T (NM_021076.3); short protein forms T330I.
Identifiers: ClinVar variation 2993313 (VCV002993313.4), dbSNP rs2517972069, ClinGen allele CA411125330.
Genomic context (GRCh38, chr22:29,483,480, plus strand): 5'-CTATGCGCTCAGCGCAGGAGGAGATAACTGAGTACCGGCGTCAGCTGCAGGCCAGGACCA[C>T]AGAGCTGGAGGCACTGAAAAGCACCAAGGACTCACTGGAGAGGCAGCGCTCTGAGCTGGA-3'
Protein context (NP_066554.2, residues 320-340): EYRRQLQART[Thr330Ile]ELEALKSTKD